The following is an entry in ClinVar:

ClinVar aggregate classification (germline): Likely benign (1 of 4 stars; one submission).

Allele frequency attached by ClinVar (database versions not stated): ExAC 0.00001; gnomAD exomes 0.00001; gnomAD 0.00001.
gnomAD v4.1: 7 of 1,612,790 alleles (0.00043%); highest among the groups gnomAD compares: Non-Finnish European, 0.00051%; no homozygotes.

Submission:

GeneDx
Classification: Likely benign. Last evaluated: 2017-11-01. Review status: criteria provided, single submitter. Criteria: GeneDx Variant Classification (06012015). Collection method: clinical testing. Allele origin: germline. Affected: yes.
Comment: This variant is considered likely benign or benign based on one or more of the following criteria: it is a conservative change, it occurs at a poorly conserved position in the protein, it is predicted to be benign by multiple in silico algorithms, and/or has population frequency not consistent with disease.

NM_001195518.2(MICU1):c.934-14T>A

Gene: MICU1 (mitochondrial calcium uptake 1; minus strand). Cytogenetic location: 10q22.1.
Variant type: single nucleotide variant.
Coding change: c.934-14T>A on transcript NM_001195518.2 (MANE Select); 14 bases into the intron before coding-DNA position 934, T replaced by A.
Molecular consequence: intron variant.
Genome position (GRCh38, 1-based): chr10:72,423,385, A>T on the plus strand (T>A on the coding strand, the complement: MICU1 is on the minus strand). VCF-style: chr10-72423385-A-T. GRCh37 (hg19) VCF-style: chr10-74183143-A-T.
Other names: c.940-14T>A (NM_006077.4); c.952-14T>A (NM_001363513.2); c.340-14T>A (NM_001195519.2).
Identifiers: ClinVar variation 512929 (VCV000512929.1), dbSNP rs759029340, ClinGen allele CA5550109.